The following is an entry in ClinVar:

ClinVar aggregate classification (germline): Uncertain significance (1 of 4 stars; one submission).

Conditions:
Shprintzen-Goldberg syndrome (SGS). Also called: Marfanoid disorder with craniosynostosis type 1; Marfanoid craniosynostosis syndrome; Shprintzen-Goldberg marfanoid syndrome; SHPRINTZEN-GOLDBERG CRANIOSYNOSTOSIS SYNDROME; CRANIOSYNOSTOSIS WITH ARACHNODACTYLY AND ABDOMINAL HERNIAS. Identifiers: Orphanet 2462, MedGen C1321551, MONDO:0008426, OMIM 182212.

gnomAD v4.1: 1 of 1,284,644 alleles (0.000078%); highest among the groups gnomAD compares: African/African-American, 0.0016%; no homozygotes.

Submission:

Labcorp Genetics (formerly Invitae), Labcorp
Classification: Uncertain significance for Shprintzen-Goldberg syndrome. Last evaluated: 2020-08-14. Review status: criteria provided, single submitter. Criteria: Invitae Variant Classification Sherloc (09022015). Collection method: clinical testing. Allele origin: germline.
Comment: Advanced modeling of protein sequence and biophysical properties (such as structural, functional, and spatial information, amino acid conservation, physicochemical variation, residue mobility, and thermodynamic stability) performed at Invitae indicates that this missense variant is not expected to disrupt SKI protein function. This variant has not been reported in the literature in individuals with SKI-related conditions. The frequency data for this variant in the population databases is considered unreliable, as metrics indicate insufficient coverage at this position in the ExAC database. This sequence change replaces alanine with proline at codon 4 of the SKI protein (p.Ala4Pro). The alanine residue is weakly conserved and there is a small physicochemical difference between alanine and proline. In summary, the available evidence is currently insufficient to determine the role of this variant in disease. Therefore, it has been classified as a Variant of Uncertain Significance.

NM_003036.4(SKI):c.10G>C (p.Ala4Pro)

Gene: SKI (SKI proto-oncogene; plus strand). Cytogenetic location: 1p36.33.
Variant type: single nucleotide variant.
Coding change: c.10G>C on transcript NM_003036.4 (MANE Select); coding-DNA position 10, G replaced by C.
Protein change: p.Ala4Pro; replaces alanine 4 with proline.
Molecular consequence: missense variant.
Genome position (GRCh38, 1-based): chr1:2,228,776, G>C. VCF-style: chr1-2228776-G-C. GRCh37 (hg19) VCF-style: chr1-2160215-G-C.
Other names: short protein forms A4P.
Identifiers: ClinVar variation 1053780 (VCV001053780.9), dbSNP rs1638560343, ClinGen allele CA337951866.